The following is an entry in ClinVar:

NM_001128225.3(SLC39A13):c.786+8C>T

Gene: SLC39A13 (solute carrier family 39 member 13; plus strand). Cytogenetic location: 11p11.2.
Variant type: single nucleotide variant.
Coding change: c.786+8C>T on transcript NM_001128225.3 (MANE Select); 8 bases into the intron after coding-DNA position 786, C replaced by T.
Molecular consequence: intron variant.
Genome position (GRCh38, 1-based): chr11:47,414,483, C>T. VCF-style: chr11-47414483-C-T. GRCh37 (hg19) VCF-style: chr11-47436034-C-T.
Other names: c.786+8C>T (NM_152264.5, NM_001330245.2).
Identifiers: ClinVar variation 506982 (VCV000506982.13), dbSNP rs572017658, ClinGen allele CA5975929.

ClinVar aggregate classification (germline): Conflicting classifications of pathogenicity. Review status: criteria provided, conflicting classifications (1 of 4 stars). 4 submissions from 4 submitters: Uncertain significance (1); Likely benign (3). Last evaluated 2026-01-24.

Conditions:
Connective tissue disorder. Also called: Connective tissue disease. Identifiers: MedGen C0009782, MONDO:0003900.
Ehlers-Danlos syndrome, spondylodysplastic type, 3. Also called: Ehlers-Danlos syndrome, spondylocheirodysplastic type. Identifiers: Orphanet 157965, MedGen C2676510, MONDO:0012873, OMIM 612350.

Allele frequency attached by ClinVar (database versions not stated): gnomAD exomes 0.00006 and 0.00014; TOPMed 0.00008; ExAC 0.00009; gnomAD 0.00005 and 0.00006.

Submissions (4):

Labcorp Genetics (formerly Invitae), Labcorp
Classification: Likely benign for Ehlers-Danlos syndrome, spondylodysplastic type, 3. Last evaluated: 2026-01-24. Review status: criteria provided, single submitter. Criteria: Invitae Variant Classification Sherloc (09022015). Collection method: clinical testing. Allele origin: germline.

Blueprint Genetics
Classification: Likely benign. Last evaluated: 2024-11-22. Review status: criteria provided, single submitter. Criteria: ACMG Guidelines, 2015. Collection method: clinical testing. Allele origin: germline.

Genome Diagnostics Laboratory, The Hospital for Sick Children
Classification: Uncertain significance for Connective tissue disorder. Last evaluated: 2019-11-01. Review status: criteria provided, single submitter. Criteria: ACMG Guidelines, 2015. Collection method: clinical testing. Allele origin: germline.

GeneDx
Classification: Likely benign. Last evaluated: 2017-01-24. Review status: criteria provided, single submitter. Criteria: GeneDx Variant Classification (06012015). Collection method: clinical testing. Allele origin: germline. Affected: yes.
Comment: This variant is considered likely benign or benign based on one or more of the following criteria: it is a conservative change, it occurs at a poorly conserved position in the protein, it is predicted to be benign by multiple in silico algorithms, and/or has population frequency not consistent with disease.